The following is an entry in ClinVar:

NM_005560.6(LAMA5):c.5615G>A (p.Arg1872His)

Gene: LAMA5 (laminin subunit alpha 5; minus strand). Cytogenetic location: 20q13.33.
Variant type: single nucleotide variant.
Coding change: c.5615G>A on transcript NM_005560.6 (MANE Select); coding-DNA position 5615, G replaced by A.
Protein change: p.Arg1872His; replaces arginine 1872 with histidine.
Molecular consequence: missense variant.
Genome position (GRCh38, 1-based): chr20:62,324,469, C>T on the plus strand (G>A on the coding strand, the complement: LAMA5 is on the minus strand). VCF-style: chr20-62324469-C-T. GRCh37 (hg19) VCF-style: chr20-60899525-C-T.
Other names: short protein forms R1872H.
Identifiers: ClinVar variation 2171032 (VCV002171032.3), dbSNP rs141042281, ClinGen allele CA9942130.
Genomic context (GRCh38, chr20:62,324,469, plus strand): 5'-CTGCCCCCCTGGCCCCACCAGCCCCTACTCACCACACAGACGCCAGAGCCAGGGAGGCAG[C>T]GGTCTGAGTGTCCATGGCACTGACAAGGGACACATCGGCCCAGGAAGAGACCTTTGACGT-3'
Protein context (NP_005551.3, residues 1862-1882): VPCQCHGHSD[Arg1872His]CLPGSGVCVD

ClinVar aggregate classification (germline): Uncertain significance (1 of 4 stars; one submission).

Allele frequency attached by ClinVar (database versions not stated): ESP Exome Variant Server 0.00015.
gnomAD v4.1: 49 of 1,612,146 alleles (0.003%); highest among the groups gnomAD compares: Middle Eastern, 0.05%; no homozygotes.

Submission:

Labcorp Genetics (formerly Invitae), Labcorp
Classification: Uncertain significance. Last evaluated: 2022-01-17. Review status: criteria provided, single submitter. Criteria: Invitae Variant Classification Sherloc (09022015). Collection method: clinical testing. Allele origin: germline.
Comment: This sequence change replaces arginine, which is basic and polar, with histidine, which is basic and polar, at codon 1872 of the LAMA5 protein (p.Arg1872His). The frequency data for this variant in the population databases is considered unreliable, as metrics indicate poor data quality at this position in the gnomAD database. This variant has not been reported in the literature in individuals affected with LAMA5-related conditions. Algorithms developed to predict the effect of missense changes on protein structure and function output the following: SIFT: "Tolerated"; PolyPhen-2: "Benign"; Align-GVGD: "Class C0". The histidine amino acid residue is found in multiple mammalian species, which suggests that this missense change does not adversely affect protein function. In summary, the available evidence is currently insufficient to determine the role of this variant in disease. Therefore, it has been classified as a Variant of Uncertain Significance.